The following is an entry in ClinVar:

ClinVar aggregate classification (germline): Likely benign. Review status: criteria provided, single submitter (1 of 4 stars). 2 submissions from 2 submitters: Likely benign (1). 1 of the submissions does not count toward it. Last evaluated 2022-11-01.

Conditions:
H2BW1-related disorder. Also called: H2BW1-related condition.

Allele frequency attached by ClinVar (database versions not stated): ExAC 0.00037; TOPMed 0.00039; gnomAD 0.00043; ESP Exome Variant Server 0.00069; gnomAD exomes 0.00099.

Submissions (2):

CeGaT Center for Human Genetics Tuebingen
Classification: Likely benign. Last evaluated: 2022-11-01. Review status: criteria provided, single submitter. Criteria: CeGaT Center For Human Genetics Tuebingen Variant Classification Criteria Version 2. Collection method: clinical testing. Allele origin: germline. Affected: yes. Observed: 2 variant alleles.
Comment: H2BW1: BS2

PreventionGenetics, part of Exact Sciences
Classification: Likely benign for H2BW1-related condition. Last evaluated: 2020-08-19. Review status: no assertion criteria provided. Collection method: clinical testing. Allele origin: germline. Not counted in ClinVar's aggregate classification.
Comment: This variant is classified as likely benign based on ACMG/AMP sequence variant interpretation guidelines (Richards et al. 2015 PMID: 25741868, with internal and published modifications).

NM_001002916.5(H2BW1):c.426del (p.Gln143fs)

Gene: H2BW1 (H2B.W histone 1; minus strand). Cytogenetic location: Xq22.2.
Variant type: Deletion.
Coding change: c.426del on transcript NM_001002916.5 (MANE Select); coding-DNA position 426, one base deleted (A; older notation c.426delA).
Protein change: p.Gln143fs; shifts the reading frame from glutamine 143.
Molecular consequence: frameshift variant.
Genome position (GRCh38, 1-based): chrX:104,012,730, T deleted on the plus strand (A on the coding strand, the reverse complement: H2BW1 is on the minus strand). VCF-style (leftmost placement, unchanged base first): chrX-104012729-GT-G. GRCh37 (hg19) VCF-style: chrX-103267301-GT-G.
Other names: c.510delA (NM_001002916.4); short protein forms Q143fs.
Identifiers: ClinVar variation 2661105 (VCV002661105.25), dbSNP rs782395532, ClinGen allele CA10479188.